The following is an entry in ClinVar:

NM_003924.4(PHOX2B):c.493G>A (p.Ala165Thr)

Gene: PHOX2B (paired like homeobox 2B; minus strand). Cytogenetic location: 4p13.
Variant type: single nucleotide variant.
Coding change: c.493G>A on transcript NM_003924.4 (MANE Select); coding-DNA position 493, G replaced by A.
Protein change: p.Ala165Thr; replaces alanine 165 with threonine.
Molecular consequence: missense variant.
Genome position (GRCh38, 1-based): chr4:41,746,259, C>T on the plus strand (G>A on the coding strand, the complement: PHOX2B is on the minus strand). VCF-style: chr4-41746259-C-T. GRCh37 (hg19) VCF-style: chr4-41748276-C-T.
Other names: short protein forms A165T.
Identifiers: ClinVar variation 5026592 (VCV005026592.1).
Genomic context (GRCh38, chr4:41,746,259, plus strand): 5'-TGCTCTCGTCGTCCCTGGAAGAGTCAGACTTTTTGCCCGAGGAGCCGTTCTTGGCCGCGG[C>T]CGCTGCGGCTGCCGCTGCGCGCTCCTGCTTGCGAAACTTGGCGCGGCGGTTCTGGAACCA-3'
Protein context (NP_003915.2, residues 155-175): KQERAAAAAA[Ala165Thr]AAKNGSSGKK

ClinVar aggregate classification (germline): Uncertain significance (1 of 4 stars; one submission).

Conditions:
Hereditary cancer-predisposing syndrome. Also called: Neoplastic Syndromes, Hereditary; Tumor predisposition; Hereditary neoplastic syndrome; Hereditary Cancer Syndrome. Identifiers: Orphanet 140162, MedGen C0027672, MeSH D009386, MONDO:0015356.

Submission:

Ambry Genetics
Classification: Uncertain significance for Hereditary cancer-predisposing syndrome. Last evaluated: 2026-07-07. Review status: criteria provided, single submitter. Criteria: Ambry Variant Classification Scheme 2023. Collection method: clinical testing. Allele origin: germline.
Comment: The p.A165T variant (also known as c.493G>A), located in coding exon 3 of the PHOX2B gene, results from a G to A substitution at nucleotide position 493. The alanine at codon 165 is replaced by threonine, an amino acid with similar properties. This amino acid position is conserved. In addition, this alteration is predicted to be tolerated by in silico analysis. Based on the available evidence, the clinical significance of this variant remains unclear.